The following is an entry in ClinVar:

NM_014991.6(WDFY3):c.7302T>C (p.Ser2434=)

Gene: WDFY3 (WD repeat and FYVE domain containing 3; minus strand). Cytogenetic location: 4q21.23.
Variant type: single nucleotide variant.
Coding change: c.7302T>C on transcript NM_014991.6 (MANE Select); coding-DNA position 7302, T replaced by C.
Protein change: p.Ser2434=; no amino-acid change (serine 2434 retained).
Molecular consequence: synonymous variant.
Genome position (GRCh38, 1-based): chr4:84,724,565, A>G on the plus strand (T>C on the coding strand, the complement: WDFY3 is on the minus strand). VCF-style: chr4-84724565-A-G. GRCh37 (hg19) VCF-style: chr4-85645718-A-G.
Identifiers: ClinVar variation 3051266 (VCV003051266.2), dbSNP rs144164966, ClinGen allele CA2992634.

ClinVar aggregate classification (germline): Likely benign (0 of 4 stars; one submission).

Conditions:
WDFY3-related disorder.

Allele frequency attached by ClinVar (database versions not stated): gnomAD exomes 0.00002; ExAC 0.00008; ESP Exome Variant Server 0.00015; TOPMed 0.00019; gnomAD 0.00023; 1000 Genomes Project 0.00060; 1000 Genomes Project 30x 0.00078.
gnomAD v4.1: 68 of 1,613,672 alleles (0.0042%); highest among the groups gnomAD compares: African/African-American, 0.084%; 1 homozygote.

Submission:

PreventionGenetics, part of Exact Sciences
Classification: Likely benign for WDFY3-related condition. Last evaluated: 2019-03-25. Review status: no assertion criteria provided. Collection method: clinical testing. Allele origin: germline.
Comment: This variant is classified as likely benign based on ACMG/AMP sequence variant interpretation guidelines (Richards et al. 2015 PMID: 25741868, with internal and published modifications).